The following is an entry in ClinVar:

ClinVar aggregate classification (germline): Uncertain significance. Review status: criteria provided, multiple submitters, no conflicts (2 of 4 stars). 2 submissions from 2 submitters: Uncertain significance (2). Last evaluated 2025-10-21.

Conditions:
Fanconi anemia (FA). Also called: Fanconi's anemia. Identifiers: Orphanet 84, MedGen C0015625, MeSH D005199, MONDO:0019391.

Allele frequency attached by ClinVar (database versions not stated): gnomAD 0.00001; gnomAD exomes 0.00001; TOPMed 0.00002.
gnomAD v4.1: 15 of 1,614,008 alleles (0.00093%); highest among the groups gnomAD compares: Admixed American, 0.0033%; no homozygotes.

Submissions (2):

Labcorp Genetics (formerly Invitae), Labcorp
Classification: Uncertain significance for Fanconi anemia. Last evaluated: 2025-10-21. Review status: criteria provided, single submitter. Criteria: Invitae Variant Classification Sherloc (09022015). Collection method: clinical testing. Allele origin: germline.
Comment: This sequence change replaces aspartic acid, which is acidic and polar, with glutamic acid, which is acidic and polar, at codon 964 of the SLX4 protein (p.Asp964Glu). This variant is not present in population databases (gnomAD no frequency). This variant has not been reported in the literature in individuals affected with SLX4-related conditions. ClinVar contains an entry for this variant (Variation ID: 1319530). An algorithm developed to predict the effect of missense changes on protein structure and function outputs the following: PolyPhen-2: "Benign". The glutamic acid amino acid residue is found in multiple mammalian species, which suggests that this missense change does not adversely affect protein function. In summary, the available evidence is currently insufficient to determine the role of this variant in disease. Therefore, it has been classified as a Variant of Uncertain Significance.

Institute for Clinical Genetics, University Hospital TU Dresden, University Hospital TU Dresden
Classification: Uncertain significance. Last evaluated: 2021-11-03. Review status: criteria provided, single submitter. Criteria: ACMG Guidelines, 2015. Collection method: clinical testing. Allele origin: germline.

NM_032444.4(SLX4):c.2892C>G (p.Asp964Glu)

Gene: SLX4 (SLX4 structure-specific endonuclease subunit; minus strand). Cytogenetic location: 16p13.3.
Variant type: single nucleotide variant.
Coding change: c.2892C>G on transcript NM_032444.4 (MANE Select); coding-DNA position 2892, C replaced by G.
Protein change: p.Asp964Glu; replaces aspartic acid 964 with glutamic acid.
Molecular consequence: missense variant.
Genome position (GRCh38, 1-based): chr16:3,590,746, G>C on the plus strand (C>G on the coding strand, the complement: SLX4 is on the minus strand). VCF-style: chr16-3590746-G-C. GRCh37 (hg19) VCF-style: chr16-3640747-G-C.
Other names: short protein forms D964E.
Identifiers: ClinVar variation 1319530 (VCV001319530.10), dbSNP rs1311904834, ClinGen allele CA394522547.